The following is an entry in ClinVar:

ClinVar aggregate classification (germline): Pathogenic. Review status: criteria provided, multiple submitters, no conflicts (2 of 4 stars). 3 submissions from 3 submitters: Pathogenic (3). Last evaluated 2024-10-27.

Conditions:
Neurofibromatosis, type 1 (NF1). Also called: Peripheral type neurofibromatosis; VON RECKLINGHAUSEN DISEASE; Neurofibromatosis, type I; NEUROFIBROMATOSIS, TYPE I, SOMATIC. Identifiers: Orphanet 636, MedGen C0027831, MONDO:0018975, OMIM 162200. Disease mechanism: loss of function.

Submissions (3):

Labcorp Genetics (formerly Invitae), Labcorp
Classification: Pathogenic for Neurofibromatosis, type 1. Last evaluated: 2024-10-27. Review status: criteria provided, single submitter. Criteria: Invitae Variant Classification Sherloc (09022015). Collection method: clinical testing. Allele origin: germline.
Comment: This sequence change creates a premature translational stop signal (p.Phe1458Serfs*4) in the NF1 gene. It is expected to result in an absent or disrupted protein product. Loss-of-function variants in NF1 are known to be pathogenic (PMID: 10712197, 23913538). This variant is not present in population databases (gnomAD no frequency). This variant has not been reported in the literature in individuals affected with NF1-related conditions. ClinVar contains an entry for this variant (Variation ID: 845258). For these reasons, this variant has been classified as Pathogenic.

Genome-Nilou Lab
Classification: Pathogenic for Neurofibromatosis, type 1. Last evaluated: 2022-03-15. Review status: criteria provided, single submitter. Criteria: ACMG Guidelines, 2015. Collection method: clinical testing. Allele origin: germline. Affected: no.

Centre for Mendelian Genomics, University Medical Centre Ljubljana
Classification: Pathogenic for Neurofibromatosis, type 1. Last evaluated: 2019-06-21. Review status: criteria provided, single submitter. Criteria: ACMG Guidelines, 2015. Collection method: clinical testing. Allele origin: unknown. Affected: yes.
Comment: This variant was classified as: Pathogenic. The following ACMG criteria were applied in classifying this variant: PVS1,PM2,PP4.

Literature cited by the submitters: PubMed 10712197 (cited by Labcorp Genetics (formerly Invitae), Labcorp); PubMed 23913538 (cited by Labcorp Genetics (formerly Invitae), Labcorp).

NM_001042492.3(NF1):c.4436del (p.Phe1479fs)

Gene: NF1 (neurofibromin 1; plus strand). Cytogenetic location: 17q11.2.
Variant type: Deletion.
Coding change: c.4436del on transcript NM_001042492.3 (MANE Select); coding-DNA position 4436, one base deleted (T; older notation c.4436delT).
Protein change: p.Phe1479fs; shifts the reading frame from phenylalanine 1479.
Molecular consequence: frameshift variant.
Genome position (GRCh38, 1-based): chr17:31,260,374, T deleted; the last of 5 consecutive T bases (chr17:31,260,370-31,260,374); deleting any one gives the same sequence. VCF-style (leftmost placement, unchanged base first): chr17-31260369-GT-G. GRCh37 (hg19) VCF-style: chr17-29587387-GT-G.
Other names: c.4373delT, p.Phe1458Serfs (NM_000267.4); short protein forms F1458fs, F1479fs.
Identifiers: ClinVar variation 845258 (VCV000845258.11), dbSNP rs1555618803, ClinGen allele CA645582457.